The following is an entry in ClinVar:

NM_000264.5(PTCH1):c.4025G>T (p.Arg1342Leu)

Gene: PTCH1 (patched 1; minus strand). Cytogenetic location: 9q22.32.
Variant type: single nucleotide variant.
Coding change: c.4025G>T on transcript NM_000264.5 (MANE Select); coding-DNA position 4025, G replaced by T.
Protein change: p.Arg1342Leu; replaces arginine 1342 with leucine.
Molecular consequence: missense variant. On other transcripts: non-coding transcript variant (1).
Genome position (GRCh38, 1-based): chr9:95,447,231, C>A on the plus strand (G>T on the coding strand, the complement: PTCH1 is on the minus strand). VCF-style: chr9-95447231-C-A. GRCh37 (hg19) VCF-style: chr9-98209513-C-A.
Other names: c.3827G>T, p.Arg1276Leu (NM_001083602.3); c.4022G>T, p.Arg1341Leu (NM_001083603.3); c.3572G>T, p.Arg1191Leu (NM_001083604.3, NM_001083605.3, NM_001083606.3 and 1 more transcripts); c.3869G>T, p.Arg1290Leu (NM_001354918.2); short protein forms R1191L, R1276L, R1290L, R1341L, R1342L.
Identifiers: ClinVar variation 1018616 (VCV001018616.9), dbSNP rs575146278, ClinGen allele CA374110453.

ClinVar aggregate classification (germline): Uncertain significance (1 of 4 stars; one submission).

Conditions:
Gorlin syndrome. Also called: Nevoid Basal Cell Carcinoma Syndrome; Basal cell nevus syndrome. Identifiers: Orphanet 377, MedGen C0004779, MONDO:0007187.

Submission:

Labcorp Genetics (formerly Invitae), Labcorp
Classification: Uncertain significance for Gorlin syndrome. Last evaluated: 2024-06-03. Review status: criteria provided, single submitter. Criteria: Invitae Variant Classification Sherloc (09022015). Collection method: clinical testing. Allele origin: germline.
Comment: This sequence change replaces arginine, which is basic and polar, with leucine, which is neutral and non-polar, at codon 1342 of the PTCH1 protein (p.Arg1342Leu). This variant is not present in population databases (gnomAD no frequency). This variant has not been reported in the literature in individuals affected with PTCH1-related conditions. ClinVar contains an entry for this variant (Variation ID: 1018616). Advanced modeling of protein sequence and biophysical properties (such as structural, functional, and spatial information, amino acid conservation, physicochemical variation, residue mobility, and thermodynamic stability) performed at Invitae indicates that this missense variant is not expected to disrupt PTCH1 protein function with a negative predictive value of 95%. In summary, the available evidence is currently insufficient to determine the role of this variant in disease. Therefore, it has been classified as a Variant of Uncertain Significance.